The following is an entry in ClinVar:

NM_198488.5(FAM83H):c.2792C>T (p.Pro931Leu)

Gene: FAM83H (family with sequence similarity 83 member H; minus strand). Cytogenetic location: 8q24.3.
Variant type: single nucleotide variant.
Coding change: c.2792C>T on transcript NM_198488.5 (MANE Select); coding-DNA position 2792, C replaced by T.
Protein change: p.Pro931Leu; replaces proline 931 with leucine.
Molecular consequence: missense variant.
Genome position (GRCh38, 1-based): chr8:143,726,669, G>A on the plus strand (C>T on the coding strand, the complement: FAM83H is on the minus strand). VCF-style: chr8-143726669-G-A. GRCh37 (hg19) VCF-style: chr8-144808839-G-A.
Other names: short protein forms P931L.
Identifiers: ClinVar variation 2635472 (VCV002635472.1), dbSNP rs782399921, ClinGen allele CA4917127.

ClinVar aggregate classification (germline): Uncertain significance (1 of 4 stars; one submission).

Conditions:
FAM83H-related disorder. Also called: FAM83H-related condition.

Allele frequency attached by ClinVar (database versions not stated): ExAC 0.00002; TOPMed 0.00002.

Submission:

PreventionGenetics, part of Exact Sciences
Classification: Uncertain significance for FAM83H-related condition. Last evaluated: 2022-11-18. Review status: criteria provided, single submitter. Criteria: ACMG Guidelines, 2015. Collection method: clinical testing. Allele origin: germline.
Comment: The FAM83H c.2792C>T variant is predicted to result in the amino acid substitution p.Pro931Leu. To our knowledge, this variant has not been reported in the literature. This variant is reported in 0.0096% of alleles in individuals of African descent in gnomAD. At this time, the clinical significance of this variant is uncertain due to the absence of conclusive functional and genetic evidence.